The following is an entry in ClinVar:

ClinVar aggregate classification (germline): Benign/Likely benign. Review status: criteria provided, multiple submitters, no conflicts (2 of 4 stars). 13 submissions from 13 submitters: Benign (8); Likely benign (1). 4 of the submissions do not count toward it. Last evaluated 2026-02-04.

Conditions:
Nephronophthisis. Also called: Juvenile Nephronophthisis. Identifiers: Orphanet 655, MedGen C0687120, MONDO:0019005, HP:0000090.
Senior-Loken syndrome 5 (SLSN5). Identifiers: Orphanet 3156, MedGen C1836517, MONDO:0012225, OMIM 609254.

Allele frequency attached by ClinVar (database versions not stated): 1000 Genomes Project 0.04273; gnomAD exomes 0.09140 and 0.12048; 1000 Genomes Project 30x 0.04232; TOPMed 0.08676; ESP Exome Variant Server 0.09849; gnomAD 0.08831 and 0.09226; ExAC 0.09307.

Submissions (13):

Labcorp Genetics (formerly Invitae), Labcorp
Classification: Benign for Nephronophthisis. Last evaluated: 2026-02-04. Review status: criteria provided, single submitter. Criteria: Invitae Variant Classification Sherloc (09022015). Collection method: clinical testing. Allele origin: germline.

Blueprint Genetics
Classification: Likely benign. Last evaluated: 2024-11-26. Review status: criteria provided, single submitter. Criteria: ACMG Guidelines, 2015. Collection method: clinical testing. Allele origin: germline.

Department of Pathology and Laboratory Medicine, Sinai Health System
Classification: Benign for Senior-Loken syndrome 5. Last evaluated: 2023-01-18. Review status: criteria provided, single submitter. Criteria: ACMG Guidelines, 2015. Collection method: research. Allele origin: germline.

Mayo Clinic Laboratories, Mayo Clinic
Classification: Benign. Last evaluated: 2022-12-07. Review status: criteria provided, single submitter. Criteria: ACMG Guidelines, 2015. Collection method: clinical testing. Allele origin: germline. Observed: 17 variant alleles.
Comment: BA1, BS2, BP4

GeneDx
Classification: Benign. Last evaluated: 2018-11-12. Review status: criteria provided, single submitter. Criteria: GeneDx Variant Classification Process June 2021. Collection method: clinical testing. Allele origin: germline. Affected: yes.
Comment: This variant is associated with the following publications: (PMID: 22183348)

Illumina Laboratory Services, Illumina
Classification: Benign for Senior-Loken syndrome 5. Last evaluated: 2018-01-13. Review status: criteria provided, single submitter. Criteria: ICSL Variant Classification Criteria 13 December 2019. Collection method: clinical testing. Allele origin: germline.
Comment: This variant was observed in the ICSL laboratory as part of a predisposition screen in an ostensibly healthy population. It had not been previously curated by ICSL or reported in the Human Gene Mutation Database (HGMD: prior to June 1st, 2018), and was therefore a candidate for classification through an automated scoring system. Utilizing variant allele frequency, disease prevalence and penetrance estimates, and inheritance mode, an automated score was calculated to assess if this variant is too frequent to cause the disease. Based on the score and internal cut-off values, a variant classified as benign is not then subjected to further curation. The score for this variant resulted in a classification of benign for this disease.

Eurofins Ntd Llc (ga)
Classification: Benign. Last evaluated: 2014-04-28. Review status: criteria provided, single submitter. Criteria: EGL Classification Definitions 2015. Collection method: clinical testing. Allele origin: germline. Observed: 1 variant allele, 1 heterozygote.

Breakthrough Genomics
Classification: Benign. Review status: criteria provided, single submitter. Criteria: ACMG Guidelines, 2015. Collection method: not provided. Allele origin: germline. Inheritance: Autosomal recessive inheritance. Affected: yes.

PreventionGenetics, part of Exact Sciences
Classification: Benign. Review status: criteria provided, single submitter. Criteria: ACMG Guidelines, 2015. Collection method: clinical testing. Allele origin: germline.

Clinical Genetics DNA and cytogenetics Diagnostics Lab, Erasmus MC, Erasmus Medical Center
Classification: Benign. Review status: no assertion criteria provided. Collection method: clinical testing. Allele origin: germline. Affected: yes. Study: VKGL Data-share Consensus. Not counted in ClinVar's aggregate classification.

Clinical Genetics, Academic Medical Center
Classification: Benign. Review status: no assertion criteria provided. Collection method: clinical testing. Allele origin: germline. Affected: yes. Study: VKGL Data-share Consensus. Not counted in ClinVar's aggregate classification.

GeneReviews
No classification provided. Condition: Nephronophthisis. Review status: no classification provided. Collection method: literature only. Allele origin: germline. Affected: yes. Not counted in ClinVar's aggregate classification.

Genome Diagnostics Laboratory, University Medical Center Utrecht
Classification: Benign. Review status: no assertion criteria provided. Collection method: clinical testing. Allele origin: germline. Affected: yes. Study: VKGL Data-share Consensus. Not counted in ClinVar's aggregate classification.

Literature cited by the submitters: PubMed 22183348 (cited by GeneReviews); NCBI Bookshelf NBK368475 (cited by GeneReviews).

NM_001023570.4(IQCB1):c.1178T>A (p.Ile393Asn)

Gene: IQCB1 (IQ motif containing B1; minus strand). Cytogenetic location: 3q13.33.
Variant type: single nucleotide variant.
Coding change: c.1178T>A on transcript NM_001023570.4 (MANE Select); coding-DNA position 1178, T replaced by A.
Protein change: p.Ile393Asn; replaces isoleucine 393 with asparagine.
Molecular consequence: missense variant. On other transcripts: non-coding transcript variant (1).
Genome position (GRCh38, 1-based): chr3:121,788,384, A>T on the plus strand (T>A on the coding strand, the complement: IQCB1 is on the minus strand). VCF-style: chr3-121788384-A-T. GRCh37 (hg19) VCF-style: chr3-121507231-A-T.
Other names: c.779T>A, p.Ile260Asn (NM_001023571.4); c.1178T>A, p.Ile393Asn (NM_001319107.2); short protein forms I393N, I260N.
Identifiers: ClinVar variation 167196 (VCV000167196.28), dbSNP rs1141528, ClinGen allele CA180131.